The following is an entry in ClinVar:

NM_000038.6(APC):c.1667A>G (p.Asp556Gly)

Gene: APC (APC regulator of Wnt signaling pathway; plus strand). Cytogenetic location: 5q22.2.
Variant type: single nucleotide variant.
Coding change: c.1667A>G on transcript NM_000038.6 (MANE Select); coding-DNA position 1667, A replaced by G.
Protein change: p.Asp556Gly; replaces aspartic acid 556 with glycine.
Molecular consequence: missense variant.
Genome position (GRCh38, 1-based): chr5:112,828,896, A>G. VCF-style: chr5-112828896-A-G. GRCh37 (hg19) VCF-style: chr5-112164593-A-G.
Other names: c.1667A>G, p.Asp556Gly (NM_001127510.3, NM_001354895.2, NM_001407450.1); c.1613A>G, p.Asp538Gly (NM_001127511.3); c.1721A>G, p.Asp574Gly (NM_001354896.2, NM_001407447.1, NM_001407448.1 and 1 more transcripts); c.1697A>G, p.Asp566Gly (NM_001354897.2); c.1592A>G, p.Asp531Gly (NM_001354898.2); c.1583A>G, p.Asp528Gly (NM_001354899.2); c.1544A>G, p.Asp515Gly (NM_001354900.2); c.1490A>G, p.Asp497Gly (NM_001354901.2, NM_001407453.1); and 11 more; short protein forms D172G, D273G, D396G, D427G, D430G, D455G, D465G, D473G.
Identifiers: ClinVar variation 3606482 (VCV003606482.2).

ClinVar aggregate classification (germline): Uncertain significance (1 of 4 stars; one submission).

Conditions:
Familial adenomatous polyposis 1 (FAP1). Also called: FAMILIAL ADENOMATOUS POLYPOSIS 1, ATTENUATED; POLYPOSIS, ADENOMATOUS INTESTINAL. Identifiers: MedGen C2713442, MONDO:0021056, OMIM 175100. Disease mechanism: loss of function.

Submission:

Labcorp Genetics (formerly Invitae), Labcorp
Classification: Uncertain significance for Familial adenomatous polyposis 1. Last evaluated: 2024-06-12. Review status: criteria provided, single submitter. Criteria: Invitae Variant Classification Sherloc (09022015). Collection method: clinical testing. Allele origin: germline.
Comment: This sequence change replaces aspartic acid, which is acidic and polar, with glycine, which is neutral and non-polar, at codon 556 of the APC protein (p.Asp556Gly). This variant is not present in population databases (gnomAD no frequency). This variant has not been reported in the literature in individuals affected with APC-related conditions. Advanced modeling of protein sequence and biophysical properties (such as structural, functional, and spatial information, amino acid conservation, physicochemical variation, residue mobility, and thermodynamic stability) performed at Invitae indicates that this missense variant is not expected to disrupt APC protein function with a negative predictive value of 95%. In summary, the available evidence is currently insufficient to determine the role of this variant in disease. Therefore, it has been classified as a Variant of Uncertain Significance.